The following is an entry in ClinVar:

NM_006206.6(PDGFRA):c.112G>A (p.Val38Ile)

Gene: PDGFRA (platelet derived growth factor receptor alpha; plus strand). Cytogenetic location: 4q12.
Variant type: single nucleotide variant.
Coding change: c.112G>A on transcript NM_006206.6 (MANE Select); coding-DNA position 112, G replaced by A.
Protein change: p.Val38Ile; replaces valine 38 with isoleucine.
Molecular consequence: missense variant.
Genome position (GRCh38, 1-based): chr4:54,261,157, G>A. VCF-style: chr4-54261157-G-A. GRCh37 (hg19) VCF-style: chr4-55127324-G-A.
Other names: c.112G>A, p.Val38Ile (NM_001347829.2, NM_001347827.2); c.151G>A, p.Val51Ile (NM_001347830.2); c.187G>A, p.Val63Ile (NM_001347828.2); short protein forms V38I, V63I, V51I.
Identifiers: ClinVar variation 582400 (VCV000582400.10), dbSNP rs1560466594, ClinGen allele CA356888273.

ClinVar aggregate classification (germline): Uncertain significance. Review status: criteria provided, multiple submitters, no conflicts (2 of 4 stars). 2 submissions from 2 submitters: Uncertain significance (2). Last evaluated 2025-05-07.

Conditions:
Hereditary cancer-predisposing syndrome. Also called: Hereditary Cancer Syndrome; Tumor predisposition; Neoplastic Syndromes, Hereditary; Hereditary neoplastic syndrome. Identifiers: Orphanet 140162, MedGen C0027672, MeSH D009386, MONDO:0015356.
Gastrointestinal stromal tumor. Also called: Gastrointestinal stromal tumor, somatic; Gastrointestinal stroma tumor. Identifiers: Orphanet 44890, MedGen C0238198, MeSH D046152, MONDO:0011719, OMIM 606764, HP:0100723.

Allele frequency attached by ClinVar (database versions not stated): gnomAD exomes below 0.00001.

Submissions (2):

Labcorp Genetics (formerly Invitae), Labcorp
Classification: Uncertain significance for Gastrointestinal stromal tumor. Last evaluated: 2025-05-07. Review status: criteria provided, single submitter. Criteria: Invitae Variant Classification Sherloc (09022015). Collection method: clinical testing. Allele origin: germline.
Comment: This sequence change replaces valine, which is neutral and non-polar, with isoleucine, which is neutral and non-polar, at codon 38 of the PDGFRA protein (p.Val38Ile). This variant is not present in population databases (gnomAD no frequency). This variant has not been reported in the literature in individuals affected with PDGFRA-related conditions. ClinVar contains an entry for this variant (Variation ID: 582400). Invitae Evidence Modeling of protein sequence and biophysical properties (such as structural, functional, and spatial information, amino acid conservation, physicochemical variation, residue mobility, and thermodynamic stability) indicates that this missense variant is not expected to disrupt PDGFRA protein function with a negative predictive value of 80%. In summary, the available evidence is currently insufficient to determine the role of this variant in disease. Therefore, it has been classified as a Variant of Uncertain Significance.

Ambry Genetics
Classification: Uncertain significance for Hereditary cancer-predisposing syndrome. Last evaluated: 2024-11-03. Review status: criteria provided, single submitter. Criteria: Ambry Variant Classification Scheme 2023. Collection method: clinical testing. Allele origin: germline.
Comment: The p.V38I variant (also known as c.112G>A), located in coding exon 2 of the PDGFRA gene, results from a G to A substitution at nucleotide position 112. The valine at codon 38 is replaced by isoleucine, an amino acid with highly similar properties. This amino acid position is conserved. In addition, this alteration is predicted to be tolerated by in silico analysis. Since supporting evidence is limited at this time, the clinical significance of this alteration remains unclear.